The following is an entry in ClinVar:

ClinVar aggregate classification (germline): Uncertain significance (1 of 4 stars; one submission).

Submission:

GeneDx
Classification: Uncertain significance. Last evaluated: 2024-04-06. Review status: criteria provided, single submitter. Criteria: GeneDx Variant Classification Process June 2021. Collection method: clinical testing. Allele origin: germline. Affected: yes.
Comment: Reported in a patient with Pituitary Stalk Interruption syndrome in the published literature (PMID: 26529631); Nonsense variant predicted to result in protein truncation or nonsense mediated decay in a gene or region of a gene for which loss of function is not a well-established mechanism of disease; Not observed at significant frequency in large population cohorts (gnomAD); This variant is associated with the following publications: (PMID: 32729136, 33270637, 26529631)

NM_001378964.1(CDON):c.2764G>T (p.Glu922Ter)

Gene: CDON (cell adhesion associated, oncogene regulated; minus strand). Cytogenetic location: 11q24.2.
Variant type: single nucleotide variant.
Coding change: c.2764G>T on transcript NM_001378964.1 (MANE Select); coding-DNA position 2764, G replaced by T.
Protein change: p.Glu922Ter; replaces glutamic acid 922 with a stop codon.
Molecular consequence: nonsense.
Genome position (GRCh38, 1-based): chr11:125,989,646, C>A on the plus strand (G>T on the coding strand, the complement: CDON is on the minus strand). VCF-style: chr11-125989646-C-A. GRCh37 (hg19) VCF-style: chr11-125859541-C-A.
Other names: c.2764G>T, p.Glu922Ter (NM_001243597.3, NM_016952.6); short protein forms E922*.
Identifiers: ClinVar variation 3360146 (VCV003360146.1).